The following is an entry in ClinVar:

ClinVar aggregate classification (germline): Uncertain significance (1 of 4 stars; one submission).

gnomAD v4.1: 20 of 1,563,396 alleles (0.0013%); highest among the groups gnomAD compares: Admixed American, 0.036%; no homozygotes.

Submission:

Labcorp Genetics (formerly Invitae), Labcorp
Classification: Uncertain significance. Last evaluated: 2024-10-15. Review status: criteria provided, single submitter. Criteria: Invitae Variant Classification Sherloc (09022015). Collection method: clinical testing. Allele origin: germline.
Comment: This sequence change replaces valine, which is neutral and non-polar, with leucine, which is neutral and non-polar, at codon 5 of the TRIP13 protein (p.Val5Leu). This variant is present in population databases (rs759352780, gnomAD 0.05%). This variant has not been reported in the literature in individuals affected with TRIP13-related conditions. An algorithm developed to predict the effect of missense changes on protein structure and function (PolyPhen-2) suggests that this variant is likely to be tolerated. In summary, the available evidence is currently insufficient to determine the role of this variant in disease. Therefore, it has been classified as a Variant of Uncertain Significance.

NM_004237.4(TRIP13):c.13G>T (p.Val5Leu)

Gene: TRIP13 (thyroid hormone receptor interactor 13; plus strand). Cytogenetic location: 5p15.33.
Variant type: single nucleotide variant.
Coding change: c.13G>T on transcript NM_004237.4 (MANE Select); coding-DNA position 13, G replaced by T.
Protein change: p.Val5Leu; replaces valine 5 with leucine.
Molecular consequence: missense variant.
Genome position (GRCh38, 1-based): chr5:893,011, G>T. VCF-style: chr5-893011-G-T. GRCh37 (hg19) VCF-style: chr5-893126-G-T.
Other names: c.13G>T, p.Val5Leu (NM_001166260.2); short protein forms V5L.
Identifiers: ClinVar variation 3633010 (VCV003633010.2).